The following is an entry in ClinVar:

ClinVar aggregate classification (germline): Uncertain significance (1 of 4 stars; one submission).

Allele frequency attached by ClinVar (database versions not stated): ExAC 0.00002; gnomAD exomes 0.00008; gnomAD 0.00011.

Submission:

Center for Genomics, Ann and Robert H. Lurie Children's Hospital of Chicago
Classification: Uncertain significance. Last evaluated: 2021-03-30. Review status: criteria provided, single submitter. Criteria: ACMG Guidelines, 2015. Collection method: clinical testing. Allele origin: germline.
Comment: FHOD1 NM_013241.2 exon 13 p.Pro587Hisfs*41 (c.1755delT): This variant has not been reported in the literature and is not present in large control databases. Evolutionary conservation and computational predictive tools for this variant are limited or unavailable. This variant creates a premature stop codon 41 amino acids downstream from this location which results in an absent or abnormal protein. However, there is insufficient evidence to establish loss of function (LOF) as a known mechanism of disease. In summary, data on this variant is insufficient for disease classification. Therefore, the clinical significance of this variant is uncertain.

NM_013241.3(FHOD1):c.1755del (p.Pro587fs)

Gene: FHOD1 (formin homology 2 domain containing 1; minus strand). Cytogenetic location: 16q22.1.
Variant type: Deletion.
Coding change: c.1755del on transcript NM_013241.3 (MANE Select); coding-DNA position 1755, one base deleted (T; older notation c.1755delT).
Protein change: p.Pro587fs; shifts the reading frame from proline 587.
Molecular consequence: frameshift variant.
Genome position (GRCh38, 1-based): chr16:67,233,948, A deleted on the plus strand (T on the coding strand, the reverse complement: FHOD1 is on the minus strand). VCF-style (leftmost placement, unchanged base first): chr16-67233947-GA-G. GRCh37 (hg19) VCF-style: chr16-67267850-GA-G.
Other names: c.1833del, p.Pro613fs (NM_001318202.2); short protein forms P587fs, P613fs.
Identifiers: ClinVar variation 2501748 (VCV002501748.1), dbSNP rs779811795, ClinGen allele CA8106088.